The following is an entry in ClinVar:

NM_003630.3(PEX3):c.578+8A>G

Gene: PEX3 (peroxisomal biogenesis factor 3; plus strand). Cytogenetic location: 6q24.2.
Variant type: single nucleotide variant.
Coding change: c.578+8A>G on transcript NM_003630.3 (MANE Select); 8 bases into the intron after coding-DNA position 578, A replaced by G.
Molecular consequence: intron variant.
Genome position (GRCh38, 1-based): chr6:143,471,619, A>G. VCF-style: chr6-143471619-A-G. GRCh37 (hg19) VCF-style: chr6-143792756-A-G.
Identifiers: ClinVar variation 289544 (VCV000289544.61), dbSNP rs200807211, ClinGen allele CA4029624.
Genomic context (GRCh38, chr6:143,471,619, plus strand): 5'-CTGACAGAATTGATCACTGTCATTAAACAAGCTGTGCAGAAGGTTTTAGGAAGGTAAGGC[A>G]TTTTTCTTTGACTTTTCTGACTTCTTGATTCTAATGAGTGAAAGAAAATTAGAATTGTTC-3'

ClinVar aggregate classification (germline): Conflicting classifications of pathogenicity. Review status: criteria provided, conflicting classifications (1 of 4 stars). 6 submissions from 6 submitters: Uncertain significance (3); Likely benign (3). Last evaluated 2026-05-12.

Conditions:
PEX3-related disorder. Also called: PEX3-related condition.
Peroxisome biogenesis disorder 10A (Zellweger). Also called: Peroxisome biogenesis disorder 10A. Identifiers: Orphanet 912, MedGen C3553999, MONDO:0013948, OMIM 614882.

Allele frequency attached by ClinVar (database versions not stated): 1000 Genomes Project 30x 0.00016; 1000 Genomes Project 0.00020; gnomAD exomes 0.00094 and 0.00165; ExAC 0.00096; gnomAD 0.00098 and 0.00101; TOPMed 0.00127; ESP Exome Variant Server 0.00223.
gnomAD v4.1: 2,529 of 1,605,002 alleles (0.16%); highest among the groups gnomAD compares: Non-Finnish European, 0.2%; 2 homozygotes.

Submissions (6):

PreventionGenetics, part of Exact Sciences
Classification: Likely benign for PEX3-related condition. Last evaluated: 2026-05-12. Review status: criteria provided, single submitter. Criteria: ACMG Guidelines, 2015. Collection method: clinical testing. Allele origin: germline.
Comment: This variant is classified as likely benign based on ACMG/AMP sequence variant interpretation guidelines (Richards et al. 2015 PMID: 25741868, with internal and published modifications).

Labcorp Genetics (formerly Invitae), Labcorp
Classification: Likely benign. Last evaluated: 2026-02-03. Review status: criteria provided, single submitter. Criteria: Invitae Variant Classification Sherloc (09022015). Collection method: clinical testing. Allele origin: germline.

Blueprint Genetics
Classification: Likely benign. Last evaluated: 2024-11-13. Review status: criteria provided, single submitter. Criteria: ACMG Guidelines, 2015. Collection method: clinical testing. Allele origin: germline.

CeGaT Center for Human Genetics Tuebingen
Classification: Uncertain significance. Last evaluated: 2020-03-01. Review status: criteria provided, single submitter. Criteria: CeGaT Center For Human Genetics Tuebingen Variant Classification Criteria Version 2. Collection method: clinical testing. Allele origin: germline. Affected: yes. Observed: 1 variant allele.

Eurofins Ntd Llc (ga)
Classification: Uncertain significance. Last evaluated: 2018-06-20. Review status: criteria provided, single submitter. Criteria: EGL ClinVar v180209 classification definitions. Collection method: clinical testing. Allele origin: germline. Observed: 7 variant alleles, 7 heterozygotes.

Illumina Laboratory Services, Illumina
Classification: Uncertain significance for Peroxisome biogenesis disorder 10A (Zellweger). Last evaluated: 2018-01-13. Review status: criteria provided, single submitter. Criteria: ICSL Variant Classification Criteria 13 December 2019. Collection method: clinical testing. Allele origin: germline.